The following is an entry in ClinVar:

NM_001261826.3(AP3D1):c.2938-8A>G

Gene: AP3D1 (adaptor related protein complex 3 subunit delta 1; minus strand). Cytogenetic location: 19p13.3.
Variant type: single nucleotide variant.
Coding change: c.2938-8A>G on transcript NM_001261826.3 (MANE Select); 8 bases into the intron before coding-DNA position 2938, A replaced by G.
Molecular consequence: intron variant.
Genome position (GRCh38, 1-based): chr19:2,111,340, T>C on the plus strand (A>G on the coding strand, the complement: AP3D1 is on the minus strand). VCF-style: chr19-2111340-T-C. GRCh37 (hg19) VCF-style: chr19-2111339-T-C.
Other names: p.?; c.2752-8A>G (NM_003938.8); c.2902-8A>G (NM_001374799.1).
Identifiers: ClinVar variation 710672 (VCV000710672.24), dbSNP rs143612937, ClinGen allele CA9058628.

ClinVar aggregate classification (germline): Benign/Likely benign. Review status: criteria provided, multiple submitters, no conflicts (2 of 4 stars). 5 submissions from 5 submitters: Benign (2); Likely benign (3). Last evaluated 2026-02-01.

Allele frequency attached by ClinVar (database versions not stated): 1000 Genomes Project 0.00459; ESP Exome Variant Server 0.00475; gnomAD 0.00409; TOPMed 0.00411; 1000 Genomes Project 30x 0.00453.
gnomAD v4.1: 1,207 of 1,613,690 alleles (0.075%); highest among the groups gnomAD compares: African/African-American, 1.2%; 9 homozygotes.

Submissions (5):

Labcorp Genetics (formerly Invitae), Labcorp
Classification: Benign. Last evaluated: 2026-02-01. Review status: criteria provided, single submitter. Criteria: Invitae Variant Classification Sherloc (09022015). Collection method: clinical testing. Allele origin: germline.

CeGaT Center for Human Genetics Tuebingen
Classification: Likely benign. Last evaluated: 2025-08-01. Review status: criteria provided, single submitter. Criteria: CeGaT Center For Human Genetics Tuebingen Variant Classification Criteria Version 2. Collection method: clinical testing. Allele origin: germline. Affected: yes. Observed: 1 variant allele.
Comment: AP3D1: BP4, BS1

Mayo Clinic Laboratories, Mayo Clinic
Classification: Likely benign. Last evaluated: 2025-03-28. Review status: criteria provided, single submitter. Criteria: ACMG Guidelines, 2015. Collection method: clinical testing. Allele origin: germline. Observed: 8 variant alleles.
Comment: BS2, BP4, BP7

Blueprint Genetics
Classification: Likely benign. Last evaluated: 2024-11-06. Review status: criteria provided, single submitter. Criteria: ACMG Guidelines, 2015. Collection method: clinical testing. Allele origin: germline.

Genetic Services Laboratory, University of Chicago
Classification: Benign. Last evaluated: 2019-10-31. Review status: criteria provided, single submitter. Criteria: ACMG Guidelines, 2015. Collection method: clinical testing. Allele origin: germline. Affected: no.